The following is an entry in ClinVar:

NM_017612.5(ZCCHC8):c.1096A>G (p.Asn366Asp)

Gene: ZCCHC8 (zinc finger CCHC-type containing 8; minus strand). Cytogenetic location: 12q24.31.
Variant type: single nucleotide variant.
Coding change: c.1096A>G on transcript NM_017612.5 (MANE Select); coding-DNA position 1096, A replaced by G.
Protein change: p.Asn366Asp; replaces asparagine 366 with aspartic acid.
Molecular consequence: missense variant.
Genome position (GRCh38, 1-based): chr12:122,480,234, T>C on the plus strand (A>G on the coding strand, the complement: ZCCHC8 is on the minus strand). VCF-style: chr12-122480234-T-C. GRCh37 (hg19) VCF-style: chr12-122964781-T-C.
Other names: c.865A>G, p.Asn289Asp (NM_001350935.2); c.799A>G, p.Asn267Asp (NM_001350936.2); c.382A>G, p.Asn128Asp (NM_001350937.2, NM_001350938.2); short protein forms N128D, N267D, N289D, N366D.
Identifiers: ClinVar variation 2752116 (VCV002752116.3), dbSNP rs2547201310, ClinGen allele CA387051811.
Genomic context (GRCh38, chr12:122,480,234, plus strand): 5'-AAATCAATATACTTACGTCTGGAATTCCTCTGGGAGTAGATATATTAAAACCAGGATAGT[T>C]GACCAATTTTGAGAGATCGTAAGTGACACTTTTATTCTGTTGTATTTCTCCAACTTCTGT-3'
Protein context (NP_060082.2, residues 356-376): SVTYDLSKLV[Asn366Asp]YPGFNISTPR

ClinVar aggregate classification (germline): Uncertain significance (1 of 4 stars; one submission).

Submission:

Labcorp Genetics (formerly Invitae), Labcorp
Classification: Uncertain significance. Last evaluated: 2023-08-11. Review status: criteria provided, single submitter. Criteria: Invitae Variant Classification Sherloc (09022015). Collection method: clinical testing. Allele origin: germline.
Comment: In summary, the available evidence is currently insufficient to determine the role of this variant in disease. Therefore, it has been classified as a Variant of Uncertain Significance. Advanced modeling of protein sequence and biophysical properties (such as structural, functional, and spatial information, amino acid conservation, physicochemical variation, residue mobility, and thermodynamic stability) performed at Invitae indicates that this missense variant is not expected to disrupt ZCCHC8 protein function. This variant has not been reported in the literature in individuals affected with ZCCHC8-related conditions. This variant is not present in population databases (gnomAD no frequency). This sequence change replaces asparagine, which is neutral and polar, with aspartic acid, which is acidic and polar, at codon 366 of the ZCCHC8 protein (p.Asn366Asp).